The following is an entry in ClinVar:

NM_003896.4(ST3GAL5):c.475G>A (p.Asp159Asn)

Gene: ST3GAL5 (ST3 beta-galactoside alpha-2,3-sialyltransferase 5; minus strand). Cytogenetic location: 2p11.2.
Variant type: single nucleotide variant.
Coding change: c.475G>A on transcript NM_003896.4 (MANE Select); coding-DNA position 475, G replaced by A.
Protein change: p.Asp159Asn; replaces aspartic acid 159 with asparagine.
Molecular consequence: missense variant. On other transcripts: 5 prime UTR variant (1).
Genome position (GRCh38, 1-based): chr2:85,848,048, C>T on the plus strand (G>A on the coding strand, the complement: ST3GAL5 is on the minus strand). VCF-style: chr2-85848048-C-T. GRCh37 (hg19) VCF-style: chr2-86075171-C-T.
Other names: c.91G>A, p.Asp31Asn (NM_001354223.2, NM_001354224.2, NM_001354226.2 and 3 more transcripts); c.391G>A, p.Asp131Asn (NM_001354227.2, NM_001354229.2, NM_001354238.1); c.-430G>A (NM_001354247.1); c.475G>A, p.Asp159Asn (NM_001363847.1); c.406G>A, p.Asp136Asn (NM_001042437.2); short protein forms D131N, D136N, D159N, D31N.
Identifiers: ClinVar variation 1000062 (VCV001000062.7), dbSNP rs1449113934, ClinGen allele CA347532404.

ClinVar aggregate classification (germline): Uncertain significance (1 of 4 stars; one submission).

Conditions:
GM3 synthase deficiency (SPDRS). Also called: SALT AND PEPPER MENTAL RETARDATION SYNDROME; AMISH INFANTILE EPILEPSY SYNDROME; SALT AND PEPPER DEVELOPMENTAL REGRESSION SYNDROME. Identifiers: Orphanet 171714, Orphanet 370933, MedGen C1836824, MONDO:0018274, OMIM 609056.

Allele frequency attached by ClinVar (database versions not stated): gnomAD 0.00001; TOPMed 0.00001.
gnomAD v4.1: 10 of 1,614,054 alleles (0.00062%); highest among the groups gnomAD compares: South Asian, 0.0011%; no homozygotes.

Submission:

Labcorp Genetics (formerly Invitae), Labcorp
Classification: Uncertain significance for GM3 synthase deficiency. Last evaluated: 2022-05-04. Review status: criteria provided, single submitter. Criteria: Invitae Variant Classification Sherloc (09022015). Collection method: clinical testing. Allele origin: germline.
Comment: This sequence change replaces aspartic acid, which is acidic and polar, with asparagine, which is neutral and polar, at codon 159 of the ST3GAL5 protein (p.Asp159Asn). This variant is not present in population databases (gnomAD no frequency). This variant has not been reported in the literature in individuals affected with ST3GAL5-related conditions. ClinVar contains an entry for this variant (Variation ID: 1000062). Algorithms developed to predict the effect of missense changes on protein structure and function output the following: SIFT: "Tolerated"; PolyPhen-2: "Benign"; Align-GVGD: "Class C0". The asparagine amino acid residue is found in multiple mammalian species, which suggests that this missense change does not adversely affect protein function. In summary, the available evidence is currently insufficient to determine the role of this variant in disease. Therefore, it has been classified as a Variant of Uncertain Significance.